The following is an entry in ClinVar:

ClinVar aggregate classification (germline): Uncertain significance (1 of 4 stars; one submission).

Conditions:
Emery-Dreifuss muscular dystrophy 5, autosomal dominant (EDMD5). Also called: EMERY-DREIFUSS MUSCULAR DYSTROPHY 5. Identifiers: Orphanet 261, MedGen C2751805, MONDO:0013072, OMIM 612999.

Submission:

Labcorp Genetics (formerly Invitae), Labcorp
Classification: Uncertain significance for Emery-Dreifuss muscular dystrophy 5, autosomal dominant. Last evaluated: 2022-03-26. Review status: criteria provided, single submitter. Criteria: Invitae Variant Classification Sherloc (09022015). Collection method: clinical testing. Allele origin: germline.
Comment: In summary, the available evidence is currently insufficient to determine the role of this variant in disease. Therefore, it has been classified as a Variant of Uncertain Significance. Algorithms developed to predict the effect of missense changes on protein structure and function are either unavailable or do not agree on the potential impact of this missense change (SIFT: "Tolerated"; PolyPhen-2: "Possibly Damaging"; Align-GVGD: "Class C0"). This variant has not been reported in the literature in individuals affected with SYNE2-related conditions. This variant is not present in population databases (gnomAD no frequency). This sequence change replaces serine, which is neutral and polar, with proline, which is neutral and non-polar, at codon 645 of the SYNE2 protein (p.Ser645Pro).

NM_182914.3(SYNE2):c.1933T>C (p.Ser645Pro)

Gene: SYNE2 (spectrin repeat containing nuclear envelope protein 2; plus strand). Cytogenetic location: 14q23.2.
Variant type: single nucleotide variant.
Coding change: c.1933T>C on transcript NM_182914.3 (MANE Select); coding-DNA position 1933, T replaced by C.
Protein change: p.Ser645Pro; replaces serine 645 with proline.
Molecular consequence: missense variant.
Genome position (GRCh38, 1-based): chr14:63,982,726, T>C. VCF-style: chr14-63982726-T-C. GRCh37 (hg19) VCF-style: chr14-64449444-T-C.
Other names: c.1933T>C, p.Ser645Pro (NM_015180.6); short protein forms S645P.
Identifiers: ClinVar variation 1923433 (VCV001923433.5), dbSNP rs770407837, ClinGen allele CA389963420.
Genomic context (GRCh38, chr14:63,982,726, plus strand): 5'-CACGCTACTTTAAATGAAGCAGGAAATTTCTTAGTCGAAGTCAGCAATGATGTGGTTGGA[T>C]CATCTATTTCTAAAGAACTGAGAAGGCTGAATAAAAGATGGAGAAAGTTGGTTTCAAAAA-3'
Protein context (NP_878918.2, residues 635-655): LVEVSNDVVG[Ser645Pro]SISKELRRLN